The following is an entry in ClinVar:

NM_001367721.1(CASK):c.885G>A (p.Leu295=)

Gene: CASK (calcium/calmodulin dependent serine protein kinase; minus strand). Cytogenetic location: Xp11.4.
Variant type: single nucleotide variant.
Coding change: c.885G>A on transcript NM_001367721.1 (MANE Select); coding-DNA position 885, G replaced by A.
Protein change: p.Leu295=; no amino-acid change (leucine 295 retained).
Molecular consequence: synonymous variant.
Genome position (GRCh38, 1-based): chrX:41,636,608, C>T on the plus strand (G>A on the coding strand, the complement: CASK is on the minus strand). VCF-style: chrX-41636608-C-T. GRCh37 (hg19) VCF-style: chrX-41495861-C-T.
Other names: c.885G>A, p.Leu295= (NM_001126054.3, NM_001126055.3, NM_001410745.1 and 1 more transcripts).
Identifiers: ClinVar variation 3036853 (VCV003036853.2), dbSNP rs2519079450, ClinGen allele CA516107904.
Genomic context (GRCh38, chrX:41,636,608, plus strand): 5'-TTGGCTTTTTTGCTGATTTGTTTAATTTACCTTTAGTTTCCTCCTTGCATTGAATTTCCT[C>T]AGCTGCTCTACTGTTTCTGGAAGATGAATCTTGTAGGCGTAACGATCCCGCTCCTATGTA-3'
Protein context (NP_001354650.1, residues 285-305): KIHLPETVEQ[Leu295=]RKFNARRKLK

ClinVar aggregate classification (germline): Likely benign (0 of 4 stars; one submission).

Conditions:
CASK-related disorder. Also called: CASK-related disorders; CASK-related condition.

Allele frequency attached by ClinVar (database versions not stated): gnomAD exomes below 0.00001.
gnomAD v4.1: 2 of 1,198,072 alleles (0.00017%); highest among the groups gnomAD compares: Non-Finnish European, 0.00023%; no homozygotes.

Submission:

PreventionGenetics, part of Exact Sciences
Classification: Likely benign for CASK-related condition. Last evaluated: 2023-10-13. Review status: no assertion criteria provided. Collection method: clinical testing. Allele origin: germline.
Comment: This variant is classified as likely benign based on ACMG/AMP sequence variant interpretation guidelines (Richards et al. 2015 PMID: 25741868, with internal and published modifications).